The following is an entry in ClinVar:

NM_030632.3(ASXL3):c.1801C>T (p.Gln601Ter)

Gene: ASXL3 (ASXL transcriptional regulator 3; plus strand). Cytogenetic location: 18q12.1.
Variant type: single nucleotide variant.
Coding change: c.1801C>T on transcript NM_030632.3 (MANE Select); coding-DNA position 1801, C replaced by T.
Protein change: p.Gln601Ter; replaces glutamine 601 with a stop codon.
Molecular consequence: nonsense.
Genome position (GRCh38, 1-based): chr18:33,739,205, C>T. VCF-style: chr18-33739205-C-T. GRCh37 (hg19) VCF-style: chr18-31319169-C-T.
Other names: c.1801C>T (NM_030632.1); short protein forms Q601*.
Identifiers: ClinVar variation 996821 (VCV000996821.3), dbSNP rs2067607089, ClinGen allele CA402176369.

ClinVar aggregate classification (germline): Pathogenic. Review status: criteria provided, multiple submitters, no conflicts (2 of 4 stars). 2 submissions from 2 submitters: Pathogenic (2). Last evaluated 2025-03-18.

Submissions (2):

GeneDx
Classification: Pathogenic. Last evaluated: 2025-03-18. Review status: criteria provided, single submitter. Criteria: GeneDx Variant Classification Process June 2021. Collection method: clinical testing. Allele origin: germline. Affected: yes.
Comment: Nonsense variant predicted to result in protein truncation or nonsense mediated decay in a gene for which loss of function is a known mechanism of disease; Not observed at significant frequency in large population cohorts (gnomAD); Has not been previously published as pathogenic or benign to our knowledge

Institute of Medical Genetics and Applied Genomics, University Hospital Tübingen
Classification: Pathogenic. Last evaluated: 2021-02-01. Review status: criteria provided, single submitter. Criteria: ACMG Guidelines, 2015. Collection method: clinical testing. Allele origin: germline. Inheritance: Autosomal dominant inheritance. Affected: yes.